The following is an entry in ClinVar:

ClinVar aggregate classification (germline): Pathogenic (1 of 4 stars; one submission).

Conditions:
Hereditary cancer-predisposing syndrome. Also called: Hereditary neoplastic syndrome; Hereditary Cancer Syndrome; Neoplastic Syndromes, Hereditary; Tumor predisposition. Identifiers: Orphanet 140162, MedGen C0027672, MeSH D009386, MONDO:0015356.

Submission:

Ambry Genetics
Classification: Pathogenic for Hereditary cancer-predisposing syndrome. Last evaluated: 2023-03-24. Review status: criteria provided, single submitter. Criteria: Ambry Variant Classification Scheme 2023. Collection method: clinical testing. Allele origin: germline.
Comment: The c.3168_3172+2delGTTGGGT pathogenic mutation spans the boundary of coding exon4 and intron 4 in the MSH6 gene. This alteration results from a deletion of 7 nucleotides at positions c.3168 to 3172+2, which deletes the canonical splice donor site. This variant is considered to be rare based on population cohorts in the Genome Aggregation Database (gnomAD). Alterations that disrupt the canonical splice site are expected to cause aberrant splicing, resulting in an abnormal protein or a transcript that is subject to nonsense-mediated mRNA decay. As such, this alteration is classified as a disease-causing mutation.

NM_000179.3(MSH6):c.3168_3172+2del

Gene: MSH6 (mutS homolog 6; plus strand). Cytogenetic location: 2p16.3.
Variant type: Deletion.
Coding change: c.3168_3172+2del on transcript NM_000179.3 (MANE Select); coding-DNA position 3168 through the canonical splice donor site of the intron after coding-DNA position 3172, 7 bases deleted (GTTGGGT; older notation c.3168_3172+2delGTTGGGT).
Molecular consequence: splice donor variant. On other transcripts: intron variant (2).
Genome position (GRCh38, 1-based): chr2:47,801,151-47,801,157, GTTGGGT deleted; deleting any 7 consecutive bases within chr2:47,801,149-47,801,157 gives the same sequence; the c. name uses the placement nearest the transcript's 3' end. VCF-style (leftmost placement, unchanged base first): chr2-47801148-AGTGTTGG-A. GRCh37 (hg19) VCF-style: chr2-48028287-AGTGTTGG-A.
Other names: c.3168_3172+2del (NM_001406809.1, NM_001406796.1, NM_001406808.1 and 2 more transcripts); c.2262_2266+2del (NM_001406811.1, NM_001406814.1, NM_001281493.2 and 6 more transcripts); c.2871_2875+2del (NM_001406805.1, NM_001406797.1, NM_001406801.1 and 10 more transcripts); c.3264_3268+2del (NM_001406795.1, NM_001406802.1); c.3174_3178+2del (NM_001406813.1); c.2643_2647+2del (NM_001406807.1, NM_001406799.1, NM_001406806.1); c.2308+860_2308+866del (NM_001406803.1); c.1606+1562_1606+1568del (NM_001406817.1); and 4 more.
Identifiers: ClinVar variation 2567447 (VCV002567447.2), dbSNP rs2530718398, ClinGen allele CA2580611372.